The following is an entry in ClinVar:

NM_152594.3(SPRED1):c.1237A>G (p.Ile413Val)

Gene: SPRED1 (sprouty related EVH1 domain containing 1; plus strand). Cytogenetic location: 15q14.
Variant type: single nucleotide variant.
Coding change: c.1237A>G on transcript NM_152594.3 (MANE Select); coding-DNA position 1237, A replaced by G.
Protein change: p.Ile413Val; replaces isoleucine 413 with valine.
Molecular consequence: missense variant.
Genome position (GRCh38, 1-based): chr15:38,351,566, A>G. VCF-style: chr15-38351566-A-G. GRCh37 (hg19) VCF-style: chr15-38643767-A-G.
Other names: short protein forms I413V.
Identifiers: ClinVar variation 4843973 (VCV004843973.1).

ClinVar aggregate classification (germline): Uncertain significance (1 of 4 stars; one submission).

Conditions:
Cardiovascular phenotype. Identifiers: MedGen CN230736.

gnomAD v4.1: 1 of 1,614,112 alleles (0.000062%); highest among the groups gnomAD compares: East Asian, 0.0022%; no homozygotes.

Submission:

Ambry Genetics
Classification: Uncertain significance for Cardiovascular phenotype. Last evaluated: 2025-12-30. Review status: criteria provided, single submitter. Criteria: Ambry Variant Classification Scheme 2023. Collection method: clinical testing. Allele origin: germline.
Comment: The p.I413V variant (also known as c.1237A>G), located in coding exon 7 of the SPRED1 gene, results from an A to G substitution at nucleotide position 1237. The isoleucine at codon 413 is replaced by valine, an amino acid with highly similar properties. This amino acid position is conserved. In addition, this alteration is predicted to be tolerated by in silico analysis. Based on the available evidence, the clinical significance of this variant remains unclear.